The following is an entry in ClinVar:

ClinVar aggregate classification (germline): Uncertain significance (1 of 4 stars; one submission).

Conditions:
Candidiasis, familial, 9 (CANDF9). Identifiers: Orphanet 1334, MedGen C4225324, MONDO:0014642, OMIM 616445.

Submission:

Labcorp Genetics (formerly Invitae), Labcorp
Classification: Uncertain significance for Candidiasis, familial, 9. Last evaluated: 2023-03-07. Review status: criteria provided, single submitter. Criteria: Invitae Variant Classification Sherloc (09022015). Collection method: clinical testing. Allele origin: germline.
Comment: This sequence change replaces alanine, which is neutral and non-polar, with threonine, which is neutral and polar, at codon 65 of the IL17RC protein (p.Ala65Thr). This variant is not present in population databases (gnomAD no frequency). This variant has not been reported in the literature in individuals affected with IL17RC-related conditions. Algorithms developed to predict the effect of missense changes on protein structure and function output the following: SIFT: "Not Available"; PolyPhen-2: "Possibly Damaging"; Align-GVGD: "Not Available". The threonine amino acid residue is found in multiple mammalian species, which suggests that this missense change does not adversely affect protein function. In summary, the available evidence is currently insufficient to determine the role of this variant in disease. Therefore, it has been classified as a Variant of Uncertain Significance.

NM_153460.4(IL17RC):c.105+88G>A

Gene: IL17RC (interleukin 17 receptor C; plus strand). Cytogenetic location: 3p25.3.
Variant type: single nucleotide variant.
Coding change: c.105+88G>A on transcript NM_153460.4 (MANE Select); 88 bases into the intron after coding-DNA position 105, G replaced by A.
Molecular consequence: intron variant. On other transcripts: missense variant (1).
Genome position (GRCh38, 1-based): chr3:9,917,508, G>A. VCF-style: chr3-9917508-G-A. GRCh37 (hg19) VCF-style: chr3-9959192-G-A.
Other names: c.193G>A, p.Ala65Thr (NM_153461.4); c.105+88G>A (NM_001203263.2, NM_001203264.2, NM_001367278.1 and 5 more transcripts); short protein forms A65T.
Identifiers: ClinVar variation 2843447 (VCV002843447.3), dbSNP rs2470072063, ClinGen allele CA351753693.